The following is an entry in ClinVar:

NM_000138.5(FBN1):c.3208+5G>C

Gene: FBN1 (fibrillin 1; minus strand). Cytogenetic location: 15q21.1.
Variant type: single nucleotide variant.
Coding change: c.3208+5G>C on transcript NM_000138.5 (MANE Select); 5 bases into the intron after coding-DNA position 3208, G replaced by C.
Molecular consequence: intron variant.
Genome position (GRCh38, 1-based): chr15:48,488,363, C>G on the plus strand (G>C on the coding strand, the complement: FBN1 is on the minus strand). VCF-style: chr15-48488363-C-G. GRCh37 (hg19) VCF-style: chr15-48780560-C-G.
Identifiers: ClinVar variation 1057117 (VCV001057117.9), dbSNP rs1555398657, ClinGen allele CA2499222999.
Genomic context (GRCh38, chr15:48,488,363, plus strand): 5'-TATGTTAAAGATAAAGAGTTTTAAAGGACGTCCCCTCTCCTGGCCCTTAAGGCTCATTAA[C>G]TGACCTGTGCAGTTCCTTTCTTCAGAATCAAGAGCAAAGCCGCTGTCACACCTGCACTTA-3'

ClinVar aggregate classification (germline): Uncertain significance (1 of 4 stars; one submission).

Conditions:
Marfan syndrome (MFS). Also called: FBN1-Related Marfan Syndrome; MARFAN SYNDROME, TYPE I; Marfan syndrome type 1; Marfan's syndrome; Marfan syndrome, classic. Identifiers: Orphanet 284963, Orphanet 558, MedGen C0024796, MONDO:0007947, OMIM 154700.
Familial thoracic aortic aneurysm and aortic dissection (TAAD). Also called: Thoracic aortic aneurysms and dissections. Identifiers: Orphanet 91387, MedGen C4707243, MONDO:0019625.

Submission:

Labcorp Genetics (formerly Invitae), Labcorp
Classification: Uncertain significance for Marfan syndrome; Familial thoracic aortic aneurysm and aortic dissection. Last evaluated: 2020-07-23. Review status: criteria provided, single submitter. Criteria: Invitae Variant Classification Sherloc (09022015). Collection method: clinical testing. Allele origin: germline.
Comment: This variant has been observed in individual(s) with clinical features of FBN1-related conditions (Invitae). In summary, the available evidence is currently insufficient to determine the role of this variant in disease. Therefore, it has been classified as a Variant of Uncertain Significance. This variant disrupts the c.3208+5G nucleotide in the FBN1 gene. Other variant(s) that disrupt this nucleotide have been determined to be pathogenic (PMID: 31053350, 8136837). This suggests that this nucleotide is clinically significant, and that variants that disrupt this position are likely to be disease-causing. Nucleotide substitutions within the consensus splice site are a relatively common cause of aberrant splicing (PMID: 17576681, 9536098). Algorithms developed to predict the effect of sequence changes on RNA splicing suggest that this variant may disrupt the consensus splice site, but this prediction has not been confirmed by published transcriptional studies. This variant is not present in population databases (ExAC no frequency). This sequence change falls in intron 26 of the FBN1 gene. It does not directly change the encoded amino acid sequence of the FBN1 protein, but it affects a nucleotide within the consensus splice site of the intron.

Literature cited by the submitters: PubMed 31053350; PubMed 8136837; PubMed 17576681; PubMed 9536098.